The following is an entry in ClinVar:

NM_001127511.3(APC):c.106C>A (p.Gln36Lys)

Gene: APC (APC regulator of Wnt signaling pathway; plus strand). Cytogenetic location: 5q22.2.
Variant type: single nucleotide variant.
Coding change: c.106C>A on transcript NM_001127511.3; coding-DNA position 106, C replaced by A.
Protein change: p.Gln36Lys; replaces glutamine 36 with lysine.
Molecular consequence: missense variant. On other transcripts: 5 prime UTR variant (8), non-coding transcript variant (1), intron variant (5).
Genome position (GRCh38, 1-based): chr5:112,707,823, C>A. VCF-style: chr5-112707823-C-A. GRCh37 (hg19) VCF-style: chr5-112043520-C-A.
Other names: c.-78C>A (NM_001354895.2, NM_001407447.1, NM_001407452.1 and 3 more transcripts); c.106C>A, p.Gln36Lys (NM_001354897.2, NM_001354902.2, NM_001407446.1); c.-1113C>A (NM_001407470.1, NM_001407472.1); c.-19+174C>A (NM_001407448.1, NM_001407450.1, NM_001407457.1 and 1 more transcripts); c.-43+174C>A (NM_001407453.1); short protein forms Q36K.
Identifiers: ClinVar variation 1047840 (VCV001047840.9), dbSNP rs773941688, ClinGen allele CA360611995.

ClinVar aggregate classification (germline): Uncertain significance (1 of 4 stars; one submission).

Conditions:
Familial adenomatous polyposis 1 (FAP1). Also called: FAMILIAL ADENOMATOUS POLYPOSIS 1, ATTENUATED; POLYPOSIS, ADENOMATOUS INTESTINAL. Identifiers: MedGen C2713442, MONDO:0021056, OMIM 175100. Disease mechanism: loss of function.

gnomAD v4.1: 2 of 1,370,580 alleles (0.00015%); highest among the groups gnomAD compares: South Asian, 0.0024%; no homozygotes.

Submission:

Labcorp Genetics (formerly Invitae), Labcorp
Classification: Uncertain significance for Familial adenomatous polyposis 1. Last evaluated: 2020-07-23. Review status: criteria provided, single submitter. Criteria: Invitae Variant Classification Sherloc (09022015). Collection method: clinical testing. Allele origin: germline.
Comment: In summary, the available evidence is currently insufficient to determine the role of this variant in disease. Therefore, it has been classified as a Variant of Uncertain Significance. Experimental studies and prediction algorithms are not available for this variant, and the functional significance of this non-coding change is currently unknown. This variant has not been reported in the literature in individuals with APC-related conditions. The frequency data for this variant in the population databases is considered unreliable, as metrics indicate insufficient coverage at this position in the ExAC database. This variant occurs in a non-coding region of the APC gene. It does not change the encoded amino acid sequence of the APC protein.